The following is an entry in ClinVar:

NC_000018.9:g.(?_59805456)_(60052267_?)dup

Genes: PIGN (phosphatidylinositol glycan anchor biosynthesis class N; minus strand), RELCH (RAB11 binding and LisH domain, coiled-coil and HEAT repeat containing; plus strand), TNFRSF11A (TNF receptor superfamily member 11a; plus strand). Cytogenetic location: 18q21.33.
Variant type: Duplication.
Identifiers: ClinVar variation 2427548 (VCV002427548.3).

ClinVar aggregate classification (germline): Uncertain significance (1 of 4 stars; one submission).

Conditions:
Multiple congenital anomalies-hypotonia-seizures syndrome 1 (MCAHS1). Also called: PIGN-CDG; Congenital disorder of glycosylation due to PIGN deficiency; GLYCOSYLPHOSPHATIDYLINOSITOL BIOSYNTHESIS DEFECT 3. Identifiers: Orphanet 280633, MedGen C3279775, MONDO:0013563, OMIM 614080.

Submission:

Labcorp Genetics (formerly Invitae), Labcorp
Classification: Uncertain significance for Multiple congenital anomalies-hypotonia-seizures syndrome 1. Last evaluated: 2021-03-10. Review status: criteria provided, single submitter. Criteria: Invitae Variant Classification Sherloc (09022015). Collection method: clinical testing. Allele origin: germline.
Comment: This variant results in a copy number gain of the genomic region encompassing exon(s) 1-14 of the PIGN gene, which includes the initiator codon. The 5' end of this event is unknown as it extends beyond the assayed region for this gene and therefore may encompass additional genes. The 3' boundary is likely confined to intron 14 of the PIGN gene. As the precise location of this event is unknown, it may be in tandem or it may be located elsewhere in the genome. This variant has not been reported in the literature in individuals with PIGN-related conditions. Experimental studies and prediction algorithms are not available or were not evaluated, and the functional significance of this variant is currently unknown. In summary, the available evidence is currently insufficient to determine the role of this variant in disease. Therefore, it has been classified as a Variant of Uncertain Significance.